The following is an entry in ClinVar:

ClinVar aggregate classification (germline): Uncertain significance (1 of 4 stars; one submission).

gnomAD v4.1: 2 of 1,613,960 alleles (0.00012%); highest among the groups gnomAD compares: Admixed American, 0.0033%; no homozygotes.

Submission:

Labcorp Genetics (formerly Invitae), Labcorp
Classification: Uncertain significance. Last evaluated: 2023-06-21. Review status: criteria provided, single submitter. Criteria: Invitae Variant Classification Sherloc (09022015). Collection method: clinical testing. Allele origin: germline.
Comment: This variant has not been reported in the literature in individuals affected with LPIN1-related conditions. This sequence change replaces lysine, which is basic and polar, with glutamic acid, which is acidic and polar, at codon 283 of the LPIN1 protein (p.Lys283Glu). This variant is present in population databases (no rsID available, gnomAD 0.003%). An algorithm developed to predict the effect of missense changes on protein structure and function (PolyPhen-2) suggests that this variant is likely to be disruptive. In summary, the available evidence is currently insufficient to determine the role of this variant in disease. Therefore, it has been classified as a Variant of Uncertain Significance.

NM_001349206.2(LPIN1):c.955A>G (p.Lys319Glu)

Genes: LPIN1 (lipin 1; plus strand), LOC126806147 (CDK7 strongly-dependent group 2 enhancer GRCh37_chr2:11919054-11920253; plus strand). Cytogenetic location: 2p25.1.
Variant type: single nucleotide variant.
Coding change: c.955A>G on transcript NM_001349206.2 (MANE Select); coding-DNA position 955, A replaced by G.
Protein change: p.Lys319Glu; replaces lysine 319 with glutamic acid.
Molecular consequence: missense variant. On other transcripts: non-coding transcript variant (1).
Genome position (GRCh38, 1-based): chr2:11,779,643, A>G. VCF-style: chr2-11779643-A-G. GRCh37 (hg19) VCF-style: chr2-11919769-A-G.
Other names: c.865A>G, p.Lys289Glu (NM_001261427.3); c.1102A>G, p.Lys368Glu (NM_001261428.3); c.847A>G, p.Lys283Glu (NM_001349199.2, NM_001349200.2, NM_001349201.2 and 1 more transcripts); c.952A>G, p.Lys318Glu (NM_001349202.2, NM_001349203.2); c.955A>G, p.Lys319Glu (NM_001349204.2, NM_001349205.2); c.1045A>G, p.Lys349Glu (NM_001349207.2); c.994A>G, p.Lys332Glu (NM_001349208.2); short protein forms K283E, K318E, K332E, K289E, K349E, K319E, K368E.
Identifiers: ClinVar variation 2991344 (VCV002991344.3), dbSNP rs752521580, ClinGen allele CA345855539.